The following is an entry in ClinVar:

ClinVar aggregate classification (germline): Conflicting classifications of pathogenicity. Review status: criteria provided, conflicting classifications (1 of 4 stars). 5 submissions from 5 submitters: Uncertain significance (1); Likely benign (4). Last evaluated 2025-10-15.

Conditions:
CDH23-related disorder. Also called: CDH23-related condition; CDH23-related disorders.

Allele frequency attached by ClinVar (database versions not stated): TOPMed 0.00008; 1000 Genomes Project 30x 0.00016; gnomAD 0.00019 and 0.00017; ExAC 0.00001.
gnomAD v4.1: 36 of 1,614,046 alleles (0.0022%); highest among the groups gnomAD compares: African/African-American, 0.047%; 1 homozygote.

Submissions (5):

PreventionGenetics, part of Exact Sciences
Classification: Likely benign for CDH23-related condition. Last evaluated: 2025-10-15. Review status: criteria provided, single submitter. Criteria: ACMG Guidelines, 2015. Collection method: clinical testing. Allele origin: germline.
Comment: This variant is classified as likely benign based on ACMG/AMP sequence variant interpretation guidelines (Richards et al. 2015 PMID: 25741868, with internal and published modifications).

CeGaT Center for Human Genetics Tuebingen
Classification: Likely benign. Last evaluated: 2025-09-01. Review status: criteria provided, single submitter. Criteria: CeGaT Center For Human Genetics Tuebingen Variant Classification Criteria Version 2. Collection method: clinical testing. Allele origin: germline. Affected: yes. Observed: 1 variant allele.
Comment: CDH23: BP4, BP7

Labcorp Genetics (formerly Invitae), Labcorp
Classification: Likely benign. Last evaluated: 2025-03-04. Review status: criteria provided, single submitter. Criteria: Invitae Variant Classification Sherloc (09022015). Collection method: clinical testing. Allele origin: germline.

Blueprint Genetics
Classification: Likely benign. Last evaluated: 2024-09-13. Review status: criteria provided, single submitter. Criteria: ACMG Guidelines, 2015. Collection method: clinical testing. Allele origin: germline.

Eurofins Ntd Llc (ga)
Classification: Uncertain significance. Last evaluated: 2016-03-21. Review status: criteria provided, single submitter. Criteria: EGL Classification Definitions 2015. Collection method: clinical testing. Allele origin: germline. Observed: 1 variant allele, 1 heterozygote.

NM_022124.6(CDH23):c.3486G>C (p.Gly1162=)

Genes: C10orf105 (chromosome 10 open reading frame 105; minus strand), CDH23 (cadherin related 23; plus strand). Cytogenetic location: 10q22.1.
Variant type: single nucleotide variant.
Coding change: c.3486G>C on transcript NM_022124.6 (MANE Select); coding-DNA position 3486, G replaced by C.
Protein change: p.Gly1162=; no amino-acid change (glycine 1162 retained).
Molecular consequence: synonymous variant. On other transcripts: intron variant (1).
Genome position (GRCh38, 1-based): chr10:71,725,427, G>C. VCF-style: chr10-71725427-G-C. GRCh37 (hg19) VCF-style: chr10-73485184-G-C.
Other names: c.3486G>C, p.Gly1162= (NM_001171930.2); c.-5-9085C>G (NM_001168390.2).
Identifiers: ClinVar variation 286757 (VCV000286757.24), dbSNP rs397517324, ClinGen allele CA5544745.